The following is an entry in ClinVar:

ClinVar aggregate classification (germline): Conflicting classifications of pathogenicity. Review status: criteria provided, conflicting classifications (1 of 4 stars). 2 submissions from 2 submitters: Uncertain significance (1); Likely benign (1). Last evaluated 2025-10-26.

gnomAD v4.1: 44 of 1,613,838 alleles (0.0027%); highest among the groups gnomAD compares: East Asian, 0.056%; 1 homozygote.

Submissions (2):

Labcorp Genetics (formerly Invitae), Labcorp
Classification: Uncertain significance. Last evaluated: 2025-10-26. Review status: criteria provided, single submitter. Criteria: Invitae Variant Classification Sherloc (09022015). Collection method: clinical testing. Allele origin: germline.
Comment: This sequence change replaces arginine, which is basic and polar, with tryptophan, which is neutral and slightly polar, at codon 1245 of the NYNRIN protein (p.Arg1245Trp). This variant is present in population databases (rs375519821, gnomAD 0.05%). This variant has not been reported in the literature in individuals affected with NYNRIN-related conditions. ClinVar contains an entry for this variant (Variation ID: 3301774). An algorithm developed to predict the effect of missense changes on protein structure and function outputs the following: PolyPhen-2: "Not Available". The tryptophan amino acid residue is found in multiple mammalian species, which suggests that this missense change does not adversely affect protein function. In summary, the available evidence is currently insufficient to determine the role of this variant in disease. Therefore, it has been classified as a Variant of Uncertain Significance.

Ambry Genetics
Classification: Likely benign. Last evaluated: 2024-03-18. Review status: criteria provided, single submitter. Criteria: Ambry Variant Classification Scheme 2023. Collection method: clinical testing. Allele origin: germline.

NM_025081.3(NYNRIN):c.3733C>T (p.Arg1245Trp)

Gene: NYNRIN (NYN domain and retroviral integrase containing; plus strand). Cytogenetic location: 14q12.
Variant type: single nucleotide variant.
Coding change: c.3733C>T on transcript NM_025081.3 (MANE Select); coding-DNA position 3733, C replaced by T.
Protein change: p.Arg1245Trp; replaces arginine 1245 with tryptophan.
Molecular consequence: missense variant.
Genome position (GRCh38, 1-based): chr14:24,415,482, C>T. VCF-style: chr14-24415482-C-T. GRCh37 (hg19) VCF-style: chr14-24884688-C-T.
Other names: short protein forms R1245W.
Identifiers: ClinVar variation 3301774 (VCV003301774.2).
Genomic context (GRCh38, chr14:24,415,482, plus strand): 5'-GACACCCCGGTGGTCCTGGACCTTTCCTATGCCTCCCGGACCACTGCGGACCCTGAGGTG[C>T]GGGAGGGCCGCAGGGTTTCCAAAGCTTGGTTGATCCGATGGTCCCTCTTGGTTCAGGACA-3'
Protein context (NP_079357.2, residues 1235-1255): ASRTTADPEV[Arg1245Trp]EGRRVSKAWL